The following is an entry in ClinVar:

NM_003235.5(TG):c.5590del (p.Val1864fs)

Gene: TG (thyroglobulin; plus strand). Cytogenetic location: 8q24.22.
Variant type: Deletion.
Coding change: c.5590del on transcript NM_003235.5 (MANE Select); coding-DNA position 5590, one base deleted (G; older notation c.5590delG).
Protein change: p.Val1864fs; shifts the reading frame from valine 1864.
Molecular consequence: frameshift variant.
Genome position (GRCh38, 1-based): chr8:132,966,601, G deleted; the last of 2 consecutive G bases (chr8:132,966,600-132,966,601); deleting either gives the same sequence. VCF-style (leftmost placement, unchanged base first): chr8-132966599-AG-A. GRCh37 (hg19) VCF-style: chr8-133978844-AG-A.
Other names: short protein forms V1864fs.
Identifiers: ClinVar variation 2877492 (VCV002877492.3), dbSNP rs2491012385, ClinGen allele CA2688653063.

ClinVar aggregate classification (germline): Pathogenic (1 of 4 stars; one submission).

Submission:

Labcorp Genetics (formerly Invitae), Labcorp
Classification: Pathogenic. Last evaluated: 2023-02-11. Review status: criteria provided, single submitter. Criteria: Invitae Variant Classification Sherloc (09022015). Collection method: clinical testing. Allele origin: germline.
Comment: For these reasons, this variant has been classified as Pathogenic. This variant has not been reported in the literature in individuals affected with TG-related conditions. This variant is not present in population databases (gnomAD no frequency). This sequence change creates a premature translational stop signal (p.Val1864Serfs*46) in the TG gene. It is expected to result in an absent or disrupted protein product. Loss-of-function variants in TG are known to be pathogenic (PMID: 19837936, 23164529).

Literature cited by the submitters: PubMed 19837936; PubMed 23164529.